The following is an entry in ClinVar:

NM_001164508.2(NEB):c.4924del (p.Glu1642fs)

Gene: NEB (nebulin; minus strand). Cytogenetic location: 2q23.3.
Variant type: Deletion.
Coding change: c.4924del on transcript NM_001164508.2 (MANE Select); coding-DNA position 4924, one base deleted (G; older notation c.4924delG).
Protein change: p.Glu1642fs; shifts the reading frame from glutamic acid 1642.
Molecular consequence: frameshift variant.
Genome position (GRCh38, 1-based): chr2:151,666,197, C deleted on the plus strand (G on the coding strand, the reverse complement: NEB is on the minus strand); the first of 2 consecutive C bases (chr2:151,666,197-151,666,198); deleting either gives the same sequence. VCF-style (leftmost placement, unchanged base first): chr2-151666196-TC-T. GRCh37 (hg19) VCF-style: chr2-152522710-TC-T.
Other names: c.4924del, p.Glu1642fs (NM_001164507.2, NM_001271208.2, NM_004543.5); short protein forms E1642fs.
Identifiers: ClinVar variation 2765087 (VCV002765087.3), dbSNP rs2552258220, ClinGen allele CA2697551130.

ClinVar aggregate classification (germline): Pathogenic (1 of 4 stars; one submission).

Conditions:
Nemaline myopathy 2 (NEM2). Also called: Nemaline myopathy 2, autosomal recessive. Identifiers: MedGen C1850569, MONDO:0009725, OMIM 256030.

Submission:

Labcorp Genetics (formerly Invitae), Labcorp
Classification: Pathogenic for Nemaline myopathy 2. Last evaluated: 2023-10-04. Review status: criteria provided, single submitter. Criteria: Invitae Variant Classification Sherloc (09022015). Collection method: clinical testing. Allele origin: germline.
Comment: This sequence change creates a premature translational stop signal (p.Glu1642Argfs*22) in the NEB gene. It is expected to result in an absent or disrupted protein product. Loss-of-function variants in NEB are known to be pathogenic (PMID: 25205138). This variant is not present in population databases (gnomAD no frequency). This variant has not been reported in the literature in individuals affected with NEB-related conditions. For these reasons, this variant has been classified as Pathogenic.

Literature cited by the submitters: PubMed 25205138.